The following is an entry in ClinVar:

NM_014370.4(SRPK3):c.972C>T (p.Gly324=)

Gene: SRPK3 (SRSF protein kinase 3; plus strand). Cytogenetic location: Xq28.
Variant type: single nucleotide variant.
Coding change: c.972C>T on transcript NM_014370.4 (MANE Select); coding-DNA position 972, C replaced by T.
Protein change: p.Gly324=; no amino-acid change (glycine 324 retained).
Molecular consequence: synonymous variant. On other transcripts: intron variant (1).
Genome position (GRCh38, 1-based): chrX:153,784,038, C>T. VCF-style: chrX-153784038-C-T. GRCh37 (hg19) VCF-style: chrX-153049493-C-T.
Other names: c.969C>T, p.Gly323= (NM_001170760.2); c.952+17C>T (NM_001170761.2).
Identifiers: ClinVar variation 2661730 (VCV002661730.24), dbSNP rs146985352, ClinGen allele CA10552465.
Genomic context (GRCh38, chrX:153,784,038, plus strand): 5'-TGGCTTGAGACTAGACGGGGGCAGCGGCTCCACATCCTCTTCAGGCTGTCACCCCGGGGG[C>T]GCCAGAGCAGGTCCCTCCCCAGCCTCTTCCTCCCCCGCCCCAGGGGGCGGCCGTAGCCTC-3'
Protein context (NP_055185.2, residues 314-334): STSSSGCHPG[Gly324=]ARAGPSPASS

ClinVar aggregate classification (germline): Likely benign (1 of 4 stars; one submission).

Allele frequency attached by ClinVar (database versions not stated): 1000 Genomes Project 0.00026; ExAC 0.00027; gnomAD 0.00036; TOPMed 0.00036; 1000 Genomes Project 30x 0.00042; ESP Exome Variant Server 0.00057; gnomAD exomes 0.00072.
gnomAD v4.1: 807 of 1,206,838 alleles (0.067%); highest among the groups gnomAD compares: Non-Finnish European, 0.088%; 3 homozygotes.

Submission:

CeGaT Center for Human Genetics Tuebingen
Classification: Likely benign. Last evaluated: 2022-11-01. Review status: criteria provided, single submitter. Criteria: CeGaT Center For Human Genetics Tuebingen Variant Classification Criteria Version 2. Collection method: clinical testing. Allele origin: germline. Affected: yes. Observed: 1 variant allele.
Comment: SRPK3: BP4, BP7, BS2